The following is an entry in ClinVar:

NM_014927.5(CNKSR2):c.1657+169A>T

Gene: CNKSR2 (connector enhancer of kinase suppressor of Ras 2; plus strand). Cytogenetic location: Xp22.12.
Variant type: single nucleotide variant.
Coding change: c.1657+169A>T on transcript NM_014927.5 (MANE Select); 169 bases into the intron after coding-DNA position 1657, A replaced by T.
Molecular consequence: intron variant.
Genome position (GRCh38, 1-based): chrX:21,590,789, A>T. VCF-style: chrX-21590789-A-T. GRCh37 (hg19) VCF-style: chrX-21608907-A-T.
Other names: c.1567+169A>T (NM_001168647.3, NM_001330773.2); c.1510+169A>T (NM_001330770.2, NM_001168649.3); c.1420+169A>T (NM_001330772.2, NM_001330771.2); c.1657+169A>T (NM_001168648.3).
Identifiers: ClinVar variation 1879753 (VCV001879753.29), dbSNP rs193261661, ClinGen allele CA327424569.

ClinVar aggregate classification (germline): Likely benign (1 of 4 stars; one submission).

Allele frequency attached by ClinVar (database versions not stated): 1000 Genomes Project 0.00079; 1000 Genomes Project 30x 0.00083.
gnomAD v4.1: 201 of 485,509 alleles (0.041%); highest among the groups gnomAD compares: African/African-American, 0.42%; no homozygotes.

Submission:

CeGaT Center for Human Genetics Tuebingen
Classification: Likely benign. Last evaluated: 2022-11-01. Review status: criteria provided, single submitter. Criteria: CeGaT Center For Human Genetics Tuebingen Variant Classification Criteria Version 2. Collection method: clinical testing. Allele origin: germline. Affected: yes. Observed: 2 variant alleles.
Comment: CNKSR2: BS2